The following is an entry in ClinVar:

NM_001083962.2(TCF4):c.500-2A>G

Gene: TCF4 (transcription factor 4; minus strand). Cytogenetic location: 18q21.2.
Variant type: single nucleotide variant.
Coding change: c.500-2A>G on transcript NM_001083962.2 (MANE Select); the canonical splice acceptor site of the intron before coding-DNA position 500, A replaced by G.
Molecular consequence: splice acceptor variant.
Genome position (GRCh38, 1-based): chr18:55,350,410, T>C on the plus strand (A>G on the coding strand, the complement: TCF4 is on the minus strand). VCF-style: chr18-55350410-T-C. GRCh37 (hg19) VCF-style: chr18-53017641-T-C.
Other names: c.806-2A>G (NM_001243226.3); c.425-2A>G (NM_001369584.1, NM_001369576.1, NM_001369585.1 and 3 more transcripts); c.428-2A>G (NM_001369577.1, NM_001369582.1, NM_001243227.2 and 9 more transcripts); c.500-2A>G (NM_001369571.1, NM_001369567.1, NM_001243228.2 and 5 more transcripts); c.494-2A>G (NM_001243230.2); c.497-2A>G (NM_001369569.1, NM_001369573.1, NM_001369570.1); c.374-2A>G (NM_001243231.2, NM_001348211.2); c.110-2A>G (NM_001348212.2, NM_001348213.2, NM_001243233.2 and 1 more transcripts); and 1 more.
Identifiers: ClinVar variation 4879661 (VCV004879661.1).
Genomic context (GRCh38, chr18:55,350,410, plus strand): 5'-AGTACTTACTGAAGATGGCAAACCTGGAGGAACTTTTCGAACTTTCTTTGTCTGTACCTC[T>C]GAAAGAAAATGAAGATGCTTTCAGCTCCCAAATGCCCATTTTCCTAACTAAGATAGGTTA-3'

ClinVar aggregate classification (germline): Pathogenic (1 of 4 stars; one submission).

Conditions:
Pitt-Hopkins syndrome (PTHS). Also called: ENCEPHALOPATHY, SEVERE EPILEPTIC, WITH AUTONOMIC DYSFUNCTION; MENTAL RETARDATION, SYNDROMAL, WITH INTERMITTENT HYPERVENTILATION. Identifiers: Orphanet 2896, MedGen C1970431, MONDO:0012589, OMIM 610954.

Submission:

Victorian Clinical Genetics Services, Murdoch Childrens Research Institute
Classification: Pathogenic for Pitt-Hopkins syndrome. Last evaluated: 2026-07-03. Review status: criteria provided, single submitter. Criteria: ACMG Guidelines, 2015. Collection method: clinical testing. Allele origin: germline. Affected: yes.
Comment: This variant is classified as Pathogenic. Evidence in support of pathogenic classification: Canonical splice site variant without proven consequence on splicing (no functional evidence available); Variant is absent from gnomAD (v2, v3 and v4); This variant has moderate previous evidence of pathogenicity in unrelated individuals. This variant has been observed as de novo in an individual with developmental delay (DECIPHER); Another canonical splice variant comparable to the one identified in this case has limited previous evidence for pathogenicity. c.500-1G>A has been classified as pathogenic by a clinical laboratory in ClinVar, and has been reported in the literature in an individual with global developmental delay (PMID: 39374907); Abnormal splicing is predicted by in silico tool and affected nucleotide is highly conserved; Additional information: This variant is heterozygous; This gene is associated with autosomal dominant disease; No published evidence of segregation with disease has been identified for this variant; No published functional evidence has been identified for this variant; Loss of function is a known mechanism of disease in this gene and is associated with Pitt-Hopkins syndrome (MIM#610954), and dominant negative is a suggested mechanism for some missense variants (PMID: 22460224, 34134113). Fuchs endothelial corneal dystrophy (MIM#613267) is only caused by expanded CTG repeats (OMIM), where the mechanism is unclear; The corneal dystrophy condition associated with this gene has incomplete penetrance (OMIM).

Literature cited by the submitters: PubMed 39374907; PubMed 34134113; PubMed 22460224.